The following is an entry in ClinVar:

ClinVar aggregate classification (germline): Uncertain significance. Review status: criteria provided, multiple submitters, no conflicts (2 of 4 stars). 2 submissions from 2 submitters: Uncertain significance (2). Last evaluated 2021-05-28.

Conditions:
Hypohidrotic X-linked ectodermal dysplasia (XHED). Also called: Anhidrotic ectodermal dysplasia X-linked; Christ Siemens Touraine syndrome; ECTODERMAL DYSPLASIA 1, HYPOHIDROTIC, X-LINKED; ECTODERMAL DYSPLASIA 1, HYPOHIDROTIC/HAIR/TOOTH TYPE, X-LINKED; Christ-Siemans-Touraine syndrome; ECTODERMAL DYSPLASIA, HYPOHIDROTIC, 1. Identifiers: Orphanet 181, Orphanet 238468, MedGen C0162359, MONDO:0010585, OMIM 305100.

Submissions (2):

Labcorp Genetics (formerly Invitae), Labcorp
Classification: Uncertain significance for Hypohidrotic X-linked ectodermal dysplasia. Last evaluated: 2021-05-28. Review status: criteria provided, single submitter. Criteria: Invitae Variant Classification Sherloc (09022015). Collection method: clinical testing. Allele origin: germline.
Comment: This sequence change replaces glutamine with histidine at codon 247 of the EDA protein (p.Gln247His). The glutamine residue is highly conserved and there is a small physicochemical difference between glutamine and histidine. This variant also falls at the last nucleotide of exon 5, which is part of the consensus splice site for this exon. This variant is not present in population databases (ExAC no frequency). This variant has been observed in individual(s) with clinical features of ectodermal dysplasia (Invitae). ClinVar contains an entry for this variant (Variation ID: 281537). Algorithms developed to predict the effect of missense changes on protein structure and function are either unavailable or do not agree on the potential impact of this missense change (SIFT: "Tolerated"; PolyPhen-2: "Possibly Damaging"; Align-GVGD: "Class C0"). Nucleotide substitutions within the consensus splice site are a relatively common cause of aberrant splicing (PMID: 17576681, 9536098). Algorithms developed to predict the effect of sequence changes on RNA splicing suggest that this variant may disrupt the consensus splice site, but this prediction has not been confirmed by published transcriptional studies. In summary, the available evidence is currently insufficient to determine the role of this variant in disease. Therefore, it has been classified as a Variant of Uncertain Significance.

Eurofins Ntd Llc (ga)
Classification: Uncertain significance. Last evaluated: 2015-06-25. Review status: criteria provided, single submitter. Criteria: EGL Classification Definitions 2015. Collection method: clinical testing. Allele origin: germline. Observed: 1 variant allele, 1 heterozygote.

Literature cited by the submitters: PubMed 17576681 (cited by Labcorp Genetics (formerly Invitae), Labcorp); PubMed 9536098 (cited by Labcorp Genetics (formerly Invitae), Labcorp).

NM_001399.5(EDA):c.741G>T (p.Gln247His)

Gene: EDA (ectodysplasin A; plus strand). Cytogenetic location: Xq13.1.
Variant type: single nucleotide variant.
Coding change: c.741G>T on transcript NM_001399.5 (MANE Select); coding-DNA position 741, G replaced by T.
Protein change: p.Gln247His; replaces glutamine 247 with histidine.
Molecular consequence: missense variant.
Genome position (GRCh38, 1-based): chrX:70,029,538, G>T. VCF-style: chrX-70029538-G-T. GRCh37 (hg19) VCF-style: chrX-69249388-G-T.
Other names: c.741G>T, p.Gln247His (NM_001005609.2, NM_001005612.3); short protein forms Q247H.
Identifiers: ClinVar variation 281537 (VCV000281537.12), dbSNP rs886042183, ClinGen allele CA10603908.
Genomic context (GRCh38, chrX:70,029,538, plus strand): 5'-TCTGATTGTCCTATCCTATTTTGCAGGTGCTGCTGATAAAGCTGGAACTCGAGAAAACCA[G>T]GTTGGCTGGGGATTGCTCTCTTCCTGGGTAGGAGGGAAAGCCACAGGCTAGAGCCACCTT-3'
Protein context (NP_001390.1, residues 237-257): AADKAGTREN[Gln247His]PAVVHLQGQG